The following is an entry in ClinVar:

ClinVar aggregate classification (germline): Uncertain significance (1 of 4 stars; one submission).

gnomAD v4.1: 1 of 1,614,192 alleles (0.000062%); highest among the groups gnomAD compares: Non-Finnish European, 0.000085%; no homozygotes.

Submission:

Dasa
Classification: Uncertain significance. Last evaluated: 2025-08-20. Review status: criteria provided, single submitter. Criteria: DASA Assertion Criteria. Collection method: clinical testing. Allele origin: germline.
Comment: NM_001611.5(ACP5):c.850G>A (p.Gly284Arg) is a missense variant that results in the substitution of glycine with arginine. This variant is rare in population databases. The currently available literature and clinical evidence are not sufficient to establish a definitive association between this variant and the reported condition. Therefore, this variant is classified as a variant of uncertain significance.

NM_001611.5(ACP5):c.850G>A (p.Gly284Arg)

Gene: ACP5 (acid phosphatase 5, tartrate resistant; minus strand). Cytogenetic location: 19p13.2.
Variant type: single nucleotide variant.
Coding change: c.850G>A on transcript NM_001611.5 (MANE Select); coding-DNA position 850, G replaced by A.
Protein change: p.Gly284Arg; replaces glycine 284 with arginine.
Molecular consequence: missense variant.
Genome position (GRCh38, 1-based): chr19:11,575,138, C>T on the plus strand (G>A on the coding strand, the complement: ACP5 is on the minus strand). VCF-style: chr19-11575138-C-T. GRCh37 (hg19) VCF-style: chr19-11685953-C-T.
Other names: c.850G>A, p.Gly284Arg (NM_001111034.3, NM_001111035.3, NM_001111036.3 and 5 more transcripts); short protein forms G284R.
Identifiers: ClinVar variation 4883661 (VCV004883661.2).
Genomic context (GRCh38, chr19:11,575,138, plus strand): 5'-CAGTCATCTCTTTGGAGCTGATCTCCACATAGGCAAAGCCACCCAGTGAGTCTTCAGTCC[C>T]ATAGTGGAAGCGCAGATAGCCGTTGGGGACCTTGCGCTGGTGCCGCTTTGAGGGGTCCAT-3'
Protein context (NP_001602.1, residues 274-294): VPNGYLRFHY[Gly284Arg]TEDSLGGFAY